The following is an entry in ClinVar:

NM_001303052.2(MYT1L):c.2910G>A (p.Ala970=)

Gene: MYT1L (myelin transcription factor 1 like; minus strand). Cytogenetic location: 2p25.3.
Variant type: single nucleotide variant.
Coding change: c.2910G>A on transcript NM_001303052.2 (MANE Select); coding-DNA position 2910, G replaced by A.
Protein change: p.Ala970=; no amino-acid change (alanine 970 retained).
Molecular consequence: synonymous variant.
Genome position (GRCh38, 1-based): chr2:1,839,319, C>T on the plus strand (G>A on the coding strand, the complement: MYT1L is on the minus strand). VCF-style: chr2-1839319-C-T. GRCh37 (hg19) VCF-style: chr2-1843091-C-T.
Other names: c.2910G>A (NM_001303052.1); c.2910G>A, p.Ala970= (NM_001329844.2, NM_001329845.1, NM_001329851.3); c.2904G>A, p.Ala968= (NM_001329846.3, NM_001329847.2, NM_001329848.1 and 3 more transcripts).
Identifiers: ClinVar variation 724944 (VCV000724944.43), dbSNP rs745509665, ClinGen allele CA1513924.
Genomic context (GRCh38, chr2:1,839,319, plus strand): 5'-CAGGTACCCGTCTTTCTGCCTCTTGGCCGCCAAGGGGCACCCGGAGGCGCTGCGATGGGA[C>T]GCGTACTTCCCAGTGATGTGGCCCTGGCCGTCGCACCCGGGGACCGGACACCTGTAGGCA-3'
Protein context (NP_001289981.1, residues 960-980): DGQGHITGKY[Ala970=]SHRSASGCPL

ClinVar aggregate classification (germline): Likely benign. Review status: criteria provided, multiple submitters, no conflicts (2 of 4 stars). 3 submissions from 3 submitters: Likely benign (2). 1 of the submissions does not count toward it. Last evaluated 2020-02-01.

Conditions:
MYT1L-related disorder. Also called: MYT1L-related condition.

Allele frequency attached by ClinVar (database versions not stated): gnomAD exomes 0.00002; TOPMed 0.00002; ExAC 0.00003; gnomAD 0.00003 and 0.00004.
gnomAD v4.1: 33 of 1,613,420 alleles (0.002%); highest among the groups gnomAD compares: African/African-American, 0.0027%; no homozygotes.

Submissions (3):

CeGaT Center for Human Genetics Tuebingen
Classification: Likely benign. Last evaluated: 2020-02-01. Review status: criteria provided, single submitter. Criteria: CeGaT Center For Human Genetics Tuebingen Variant Classification Criteria Version 2. Collection method: clinical testing. Allele origin: germline. Affected: yes. Observed: 1 variant allele.

Labcorp Genetics (formerly Invitae), Labcorp
Classification: Likely benign. Last evaluated: 2018-05-31. Review status: criteria provided, single submitter. Criteria: Invitae Variant Classification Sherloc (09022015). Collection method: clinical testing. Allele origin: germline.

PreventionGenetics, part of Exact Sciences
Classification: Likely benign for MYT1L-related condition. Last evaluated: 2019-09-05. Review status: no assertion criteria provided. Collection method: clinical testing. Allele origin: germline. Not counted in ClinVar's aggregate classification.
Comment: This variant is classified as likely benign based on ACMG/AMP sequence variant interpretation guidelines (Richards et al. 2015 PMID: 25741868, with internal and published modifications).